The following is an entry in ClinVar:

ClinVar aggregate classification (germline): Uncertain significance (1 of 4 stars; one submission).

Conditions:
Syndromic multisystem autoimmune disease due to ITCH deficiency. Also called: AUTOIMMUNE DISEASE, MULTISYSTEM, WITH FACIAL DYSMORPHISM. Identifiers: Orphanet 228426, MedGen C3150649, MONDO:0013245, OMIM 613385.

Submission:

Labcorp Genetics (formerly Invitae), Labcorp
Classification: Uncertain significance for Autoimmune disease, syndromic multisystem. Last evaluated: 2019-11-15. Review status: criteria provided, single submitter. Criteria: Invitae Variant Classification Sherloc (09022015). Collection method: clinical testing. Allele origin: germline.
Comment: This sequence change replaces leucine with phenylalanine at codon 69 of the ITCH protein (p.Leu69Phe). The leucine residue is moderately conserved and there is a small physicochemical difference between leucine and phenylalanine. This variant is not present in population databases (ExAC no frequency). This variant has not been reported in the literature in individuals with ITCH-related conditions. Algorithms developed to predict the effect of missense changes on protein structure and function are either unavailable or do not agree on the potential impact of this missense change (SIFT: "Tolerated"; PolyPhen-2: "Probably Damaging"; Align-GVGD: "Class C0"). In summary, the available evidence is currently insufficient to determine the role of this variant in disease. Therefore, it has been classified as a Variant of Uncertain Significance.

NM_031483.7(ITCH):c.205C>T (p.Leu69Phe)

Gene: ITCH (itchy E3 ubiquitin protein ligase; plus strand). Cytogenetic location: 20q11.22.
Variant type: single nucleotide variant.
Coding change: c.205C>T on transcript NM_031483.7 (MANE Select); coding-DNA position 205, C replaced by T.
Protein change: p.Leu69Phe; replaces leucine 69 with phenylalanine.
Molecular consequence: missense variant. On other transcripts: intron variant (1).
Genome position (GRCh38, 1-based): chr20:34,408,785, C>T. VCF-style: chr20-34408785-C-T. GRCh37 (hg19) VCF-style: chr20-32996591-C-T.
Other names: c.205C>T, p.Leu69Phe (NM_001257137.3, NM_001324197.2, NM_001324198.2); c.-118-3730C>T (NM_001257138.3); short protein forms L69F.
Identifiers: ClinVar variation 956075 (VCV000956075.1), dbSNP rs1978516186, ClinGen allele CA408661463.